The following is an entry in ClinVar:

ClinVar aggregate classification (germline): Uncertain significance (1 of 4 stars; one submission).

Conditions:
Hereditary cancer-predisposing syndrome. Also called: Tumor predisposition; Hereditary Cancer Syndrome; Hereditary neoplastic syndrome; Neoplastic Syndromes, Hereditary. Identifiers: Orphanet 140162, MedGen C0027672, MeSH D009386, MONDO:0015356.

Submission:

Ambry Genetics
Classification: Uncertain significance for Hereditary cancer-predisposing syndrome. Last evaluated: 2026-01-16. Review status: criteria provided, single submitter. Criteria: Ambry Variant Classification Scheme 2023. Collection method: clinical testing. Allele origin: germline.
Comment: The c.4024delG variant, located in coding exon 32 of the POLE gene, results from a deletion of one nucleotide at nucleotide position 4024, causing a translational frameshift with a predicted alternate stop codon (p.A1342Pfs*19). This alteration is expected to result in premature protein truncation or nonsense-mediated mRNA decay. Although biallelic loss of function of POLE has been associated with autosomal recessive POLE deficiency, haploinsufficiency of POLE has not been established as a mechanism of disease for POLE-related polymerase proofreading-associated polyposis (PPAP) and POLE-related CMMRD-like syndrome. Based on the supporting evidence, this variant is expected to be causative of POLE deficiency when present along with a second pathogenic variant on the other allele; however, its clinical significance for PPAP and POLE-related CMMRD-like syndrome is unclear.

NM_006231.4(POLE):c.4024del (p.Ala1342fs)

Gene: POLE (DNA polymerase epsilon, catalytic subunit; minus strand). Cytogenetic location: 12q24.33.
Variant type: Deletion.
Coding change: c.4024del on transcript NM_006231.4 (MANE Select); coding-DNA position 4024, one base deleted (G; older notation c.4024delG).
Protein change: p.Ala1342fs; shifts the reading frame from alanine 1342.
Molecular consequence: frameshift variant.
Genome position (GRCh38, 1-based): chr12:132,649,054, C deleted on the plus strand (G on the coding strand, the reverse complement: POLE is on the minus strand); the first of 2 consecutive C bases (chr12:132,649,054-132,649,055); deleting either gives the same sequence. VCF-style (leftmost placement, unchanged base first): chr12-132649053-GC-G. GRCh37 (hg19) VCF-style: chr12-133225639-GC-G.
Other names: short protein forms A1342fs.
Identifiers: ClinVar variation 1737134 (VCV001737134.3), dbSNP rs2541942466, ClinGen allele CA2580086180.